The following is an entry in ClinVar:

ClinVar aggregate classification (germline): Conflicting classifications of pathogenicity. Review status: criteria provided, conflicting classifications (1 of 4 stars). 2 submissions from 2 submitters: Uncertain significance (1); Likely benign (1). Last evaluated 2025-08-28.

Allele frequency attached by ClinVar (database versions not stated): ExAC 0.00151; TOPMed 0.00345; gnomAD 0.00369.
gnomAD v4.1: 7,032 of 1,284,230 alleles (0.55%); highest among the groups gnomAD compares: Non-Finnish European, 0.63%; 28 homozygotes.

Submissions (2):

Ambry Genetics
Classification: Uncertain significance. Last evaluated: 2025-08-28. Review status: criteria provided, single submitter. Criteria: Ambry Variant Classification Scheme 2023. Collection method: clinical testing. Allele origin: germline.

CeGaT Center for Human Genetics Tuebingen
Classification: Likely benign. Last evaluated: 2024-02-01. Review status: criteria provided, single submitter. Criteria: CeGaT Center For Human Genetics Tuebingen Variant Classification Criteria Version 2. Collection method: clinical testing. Allele origin: germline. Affected: yes. Observed: 1 variant allele.
Comment: PROSER2: BP4, BS2

NM_153256.4(PROSER2):c.889C>A (p.Pro297Thr)

Genes: PROSER2 (proline and serine rich 2; plus strand), PROSER2-AS1 (PROSER2 antisense RNA 1; minus strand). Cytogenetic location: 10p14.
Variant type: single nucleotide variant.
Coding change: c.889C>A on transcript NM_153256.4 (MANE Select); coding-DNA position 889, C replaced by A.
Protein change: p.Pro297Thr; replaces proline 297 with threonine.
Molecular consequence: missense variant.
Genome position (GRCh38, 1-based): chr10:11,869,987, C>A. VCF-style: chr10-11869987-C-A. GRCh37 (hg19) VCF-style: chr10-11911986-C-A.
Other names: c.889C>A (NM_153256.3); short protein forms P297T.
Identifiers: ClinVar variation 3024878 (VCV003024878.24), dbSNP rs775942718, ClinGen allele CA5406440.